The following is an entry in ClinVar:

ClinVar aggregate classification (germline): Uncertain significance. Review status: criteria provided, multiple submitters, no conflicts (2 of 4 stars). 4 submissions from 4 submitters: Uncertain significance (4). Last evaluated 2026-01-14.

Conditions:
Dilated cardiomyopathy 3B (CMD3B). Also called: CMD3B: DMD-Related Dilated Cardiomyopathy; CARDIOMYOPATHY, DILATED, X-LINKED; DMD-Associated Dilated Cardiomyopathy. Identifiers: Orphanet 154, MedGen C3668940, MONDO:0010542, OMIM 302045.
Duchenne muscular dystrophy (DMD). Also called: MUSCULAR DYSTROPHY, PSEUDOHYPERTROPHIC PROGRESSIVE, DUCHENNE TYPE; Duchenne Muscular Dystrophy (DMD). Identifiers: Orphanet 98896, MedGen C0013264, MONDO:0010679, OMIM 310200.
Cardiovascular phenotype. Identifiers: MedGen CN230736.

Allele frequency attached by ClinVar (database versions not stated): gnomAD 0.00001; gnomAD exomes 0.00001; TOPMed 0.00001.
gnomAD v4.1: 17 of 1,206,269 alleles (0.0014%); highest among the groups gnomAD compares: Admixed American, 0.0022%; no homozygotes.

Submissions (4):

Labcorp Genetics (formerly Invitae), Labcorp
Classification: Uncertain significance for Duchenne muscular dystrophy. Last evaluated: 2026-01-14. Review status: criteria provided, single submitter. Criteria: Invitae Variant Classification Sherloc (09022015). Collection method: clinical testing. Allele origin: germline.
Comment: This sequence change replaces arginine, which is basic and polar, with glutamine, which is neutral and polar, at codon 539 of the DMD protein (p.Arg539Gln). The frequency data for this variant in the population databases is considered unreliable, as metrics indicate poor data quality at this position in the gnomAD database. This variant has not been reported in the literature in individuals affected with DMD-related conditions. ClinVar contains an entry for this variant (Variation ID: 368251). Invitae Evidence Modeling of protein sequence and biophysical properties (such as structural, functional, and spatial information, amino acid conservation, physicochemical variation, residue mobility, and thermodynamic stability) indicates that this missense variant is not expected to disrupt DMD protein function with a negative predictive value of 95%. In summary, the available evidence is currently insufficient to determine the role of this variant in disease. Therefore, it has been classified as a Variant of Uncertain Significance.

Athena Diagnostics
Classification: Uncertain significance. Last evaluated: 2025-10-22. Review status: criteria provided, single submitter. Criteria: Athena Diagnostics Criteria. Collection method: clinical testing. Allele origin: unknown.
Comment: Available data are insufficient to determine the clinical significance of the variant at this time. The frequency of this variant in the general population is uninformative in assessment of its pathogenicity. This variant has been seen where an alternate explanation for disease was also identified, suggesting this variant may not cause disease. Polyphen and MutationTaster yielded discordant predictions regarding whether this amino acid change is damaging to the protein.

Ambry Genetics
Classification: Uncertain significance for Cardiovascular phenotype. Last evaluated: 2025-03-13. Review status: criteria provided, single submitter. Criteria: Ambry Variant Classification Scheme 2023. Collection method: clinical testing. Allele origin: germline.
Comment: The p.R539Q variant (also known as c.1616G>A), located in coding exon 14 of the DMD gene, results from a G to A substitution at nucleotide position 1616. The arginine at codon 539 is replaced by glutamine, an amino acid with highly similar properties. Based on data from gnomAD, the A allele has an overall frequency of 0.0011% (2/181728) total alleles studied, with 0 hemizygote(s) observed. The highest observed frequency was 0.0073% (1/27272) of Latin American alleles. This amino acid position is highly conserved in available vertebrate species. In addition, this alteration is predicted to be deleterious by in silico analysis. Based on the available evidence, the clinical significance of this variant remains unclear.

Illumina Laboratory Services, Illumina
Classification: Uncertain significance for Dilated cardiomyopathy 3B. Last evaluated: 2018-01-12. Review status: criteria provided, single submitter. Criteria: ICSL Variant Classification Criteria 13 December 2019. Collection method: clinical testing. Allele origin: germline.

NM_004006.3(DMD):c.1616G>A (p.Arg539Gln)

Gene: DMD (dystrophin; minus strand). Cytogenetic location: Xp21.1.
Variant type: single nucleotide variant.
Coding change: c.1616G>A on transcript NM_004006.3 (MANE Select); coding-DNA position 1616, G replaced by A.
Protein change: p.Arg539Gln; replaces arginine 539 with glutamine.
Molecular consequence: missense variant.
Genome position (GRCh38, 1-based): chrX:32,573,833, C>T on the plus strand (G>A on the coding strand, the complement: DMD is on the minus strand). VCF-style: chrX-32573833-C-T. GRCh37 (hg19) VCF-style: chrX-32591950-C-T.
Other names: c.1592G>A, p.Arg531Gln (NM_000109.4); c.1604G>A, p.Arg535Gln (NM_004009.3); c.1247G>A, p.Arg416Gln (NM_004010.3); short protein forms R539Q, R416Q, R531Q, R535Q.
Identifiers: ClinVar variation 368251 (VCV000368251.11), dbSNP rs1057515876, ClinGen allele CA10653908.